The following is an entry in ClinVar:

NM_000116.5(TAFAZZIN):c.539_541del (p.Glu180del)

Gene: TAFAZZIN (tafazzin, phospholipid-lysophospholipid transacylase; plus strand). Cytogenetic location: Xq28.
Variant type: Deletion.
Coding change: c.539_541del on transcript NM_000116.5 (MANE Select); coding-DNA positions 539 to 541, 3 bases deleted (AAG; older notation c.539_541delAAG).
Protein change: p.Glu180del; deletes glutamic acid 180.
Molecular consequence: inframe deletion. On other transcripts: non-coding transcript variant (1), intron variant (1).
Genome position (GRCh38, 1-based): chrX:154,419,621-154,419,623, AAG deleted; deleting any 3 consecutive bases within chrX:154,419,619-154,419,623 gives the same sequence; the c. name uses the placement nearest the transcript's 3' end. VCF-style (leftmost placement, unchanged base first): chrX-154419618-CAGA-C. GRCh37 (hg19) VCF-style: chrX-153647957-CAGA-C.
Other names: c.593_595del, p.Glu198del (NM_001303465.2, NM_001440856.1); c.503_505del, p.Glu168del (NM_001410698.1, NM_001440857.1); c.449_451del, p.Glu150del (NM_181311.4, NM_181313.4); c.539_541del, p.Glu180del (NM_181312.4); c.371-411_371-409del (NM_001440858.1); short protein forms E150del, E168del, E180del, E198del.
Identifiers: ClinVar variation 4292138 (VCV004292138.2).
Genomic context (GRCh38, chrX:154,419,618, plus strand): 5'-AGAAGGGGATGGACTTCATTTTGGAGAAGCTCAACCATGGGGACTGGGTGCATATCTTCC[CAGA>C]AGGTCAGCAGGGCTGACTGGGTCGAGCCCCCCCAGTATGAGCGGGATGGGCTCCCAAGCC-3'

ClinVar aggregate classification (germline): Uncertain significance. Review status: criteria provided, multiple submitters, no conflicts (2 of 4 stars). 2 submissions from 2 submitters: Uncertain significance (2). Last evaluated 2025-02-03.

Conditions:
3-Methylglutaconic aciduria type 2 (BTHS). Also called: CARDIOSKELETAL MYOPATHY WITH NEUTROPENIA AND ABNORMAL MITOCHONDRIA; Barth syndrome. Identifiers: Orphanet 111, MedGen C0574083, MONDO:0010543, OMIM 302060.

Submissions (2):

Labcorp Genetics (formerly Invitae), Labcorp
Classification: Uncertain significance for 3-Methylglutaconic aciduria type 2. Last evaluated: 2025-02-03. Review status: criteria provided, single submitter. Criteria: Invitae Variant Classification Sherloc (09022015). Collection method: clinical testing. Allele origin: germline.
Comment: This variant, c.539_541del, results in the deletion of 1 amino acid(s) of the TAZ protein (p.Glu180del), but otherwise preserves the integrity of the reading frame. This variant is not present in population databases (gnomAD no frequency). This variant has not been reported in the literature in individuals affected with TAZ-related conditions. Experimental studies and prediction algorithms are not available or were not evaluated, and the functional significance of this variant is currently unknown. In summary, the available evidence is currently insufficient to determine the role of this variant in disease. Therefore, it has been classified as a Variant of Uncertain Significance.

3billion
Classification: Uncertain significance for 3-Methylglutaconic aciduria type 2. Last evaluated: 2024-12-26. Review status: criteria provided, single submitter. Criteria: ACMG Guidelines, 2015. Collection method: clinical testing. Allele origin: germline. Affected: yes.
Comment: The variant is not observed in the gnomAD v4.1.0 dataset. Predicted Consequence/Location: Inframe deletion located in a nonrepeat region: predicted to change the length of the protein and disrupt normal protein function. In silico tools do not predict the variant to alter splicing and produce an abnormal transcript [SpliceAI: 0.05 (<=0.1, moderate evidence for non-spliceogenicity)]. Therefore, this variant is classified as VUS according to the recommendation of ACMG/AMP guideline.